The following is an entry in ClinVar:

NM_014845.6(FIG4):c.1434+181G>T

Gene: FIG4 (FIG4 phosphoinositide 5-phosphatase; plus strand). Cytogenetic location: 6q21.
Variant type: single nucleotide variant.
Coding change: c.1434+181G>T on transcript NM_014845.6 (MANE Select); 181 bases into the intron after coding-DNA position 1434, G replaced by T.
Molecular consequence: intron variant.
Genome position (GRCh38, 1-based): chr6:109,764,163, G>T. VCF-style: chr6-109764163-G-T. GRCh37 (hg19) VCF-style: chr6-110085366-G-T.
Identifiers: ClinVar variation 681668 (VCV000681668.1), dbSNP rs13196280, ClinGen allele CA12204277.

ClinVar aggregate classification (germline): Benign (1 of 4 stars; one submission).

Allele frequency attached by ClinVar (database versions not stated): 1000 Genomes Project 0.18051; 1000 Genomes Project 30x 0.18317; TOPMed 0.21550; gnomAD 0.22195 and 0.22202.
gnomAD v4.1: 33,815 of 152,024 alleles (22%); highest among the groups gnomAD compares: Middle Eastern, 33%; 4,110 homozygotes.

Submission:

GeneDx
Classification: Benign. Last evaluated: 2018-06-19. Review status: criteria provided, single submitter. Criteria: GeneDx Variant Classification (06012015). Collection method: clinical testing. Allele origin: germline. Affected: yes.
Comment: This variant is considered likely benign or benign based on one or more of the following criteria: it is a conservative change, it occurs at a poorly conserved position in the protein, it is predicted to be benign by multiple in silico algorithms, and/or has population frequency not consistent with disease.